The following is an entry in ClinVar:

ClinVar aggregate classification (germline): Pathogenic. Review status: criteria provided, single submitter (1 of 4 stars). 3 submissions from 2 submitters: Pathogenic (1). 2 of the submissions do not count toward it. Last evaluated 2024-02-20.

Conditions:
Erythrocytosis, familial, 6. Also called: ERYTHROCYTOSIS, BETA-GLOBIN TYPE; POLYCYTHEMIA, BETA-GLOBIN TYPE. Identifiers: MedGen C4693822, MONDO:0054801, OMIM 617980.
HEMOGLOBIN HELSINKI.

Allele frequency attached by ClinVar (database versions not stated): ExAC 0.00001.

Submissions (3):

ARUP Laboratories, Molecular Genetics and Genomics, ARUP Laboratories
Classification: Pathogenic. Last evaluated: 2024-02-20. Review status: criteria provided, single submitter. Criteria: ARUP Molecular Germline Variant Investigation Process 2024. Collection method: clinical testing. Allele origin: germline.
Comment: The Hb Helsinki variant (HBB: c.248A>T; p.Lys83Met, also known as Lys82Met when numbered from the mature protein, rs33987903, HbVar ID: 407) has been reported in the heterozygous state in multiple individuals with familial erythrocytosis (see HbVar and references therein). This variant has been observed to segregate with erythrocytosis in a family in a pattern consistent with autosomal dominant inheritance (Ikkala 1976). Additionally, this variant was found to ameliorate clinical symptoms in an individual with HbH disease (Lee 2017). Functional analyses of the variant protein show increased oxygen affinity, and decreased binding of 2,3-DPG (Ikkala 1976). This variant is reported in ClinVar (Variation ID: 15193). Additionally, another variant at this codon Hb Rahere (c.248A>C, p.Lys83Thr) has been reported in individuals with mild erythrocytosis and is considered pathogenic (Lorkin 1975, Sugihara 1985). This variant is only observed on one allele in the Genome Aggregation Database(v2.1.1), indicating it is not a common polymorphism. Computational analyses predict that this variant is deleterious (REVEL: 0.946). Based on available information, the Hb Helsinki variant is considered to be pathogenic. References: Link to HbVar database: Ikkala E et al. Hb Helsinki: a variant with a high oxygen affinity and a substitution at a 2,3-DPG binding site (beta82(EF60 Lys replaced by Met). Acta Haematol. 1976;56(5):257-75. PMID: 826083 Lee SY et al. Coinheritance of High Oxygen Affinity Hb Helsinki (HBB: c.248A>T; ÃŸ82(EF6)Lys-Met) with Hb H Disease. Hemoglobin. 2017 May;41(3):209-212. PMID: 28791912. Lorkin PA et al. Haemoglobin Rahere (beta Lys-Thr): A new high affinity haemoglobin associated with decreased 2, 3-diphosphoglycerate binding and relative polycythaemia. Br Med J. 1975 Oct 25;4(5990):200-2. PMID: 124 Sugihara J et al. Hemoglobin Rahere, a human hemoglobin variant with amino acid substitution at the 2,3-diphosphoglycerate binding site. Functional consequences of the alteration and effects of bezafibrate on the oxygen bindings. J Clin Invest. 1985 Sep;76(3):1169-73. PMID: 3930571

OMIM
Classification: other for HEMOGLOBIN HELSINKI. Last evaluated: 2017-12-12. Review status: no assertion criteria provided. Collection method: literature only. Allele origin: germline. Not counted in ClinVar's aggregate classification.

OMIM
Classification: Pathogenic for ERYTHROCYTOSIS 6. Last evaluated: 1976-01-01. Review status: no assertion criteria provided. Collection method: literature only. Allele origin: germline. Not counted in ClinVar's aggregate classification.

Literature cited by the submitters: PubMed 826083 (cited by OMIM).

NM_000518.4(HBB):c.248A>T (p.Lys83Met)

Genes: HBB (hemoglobin subunit beta; minus strand), LOC107133510 (origin of replication at HBB; plus strand), LOC106099062 (HBB recombination region; plus strand). Cytogenetic location: 11p15.4.
Variant type: single nucleotide variant.
Coding change: c.248A>T on transcript NM_000518.4; coding-DNA position 248, A replaced by T.
Protein change: p.Lys83Met; replaces lysine 83 with methionine.
Molecular consequence: missense variant (on NM_000518.5).
Genome position (GRCh38, 1-based): chr11:5,226,644, T>A on the plus strand (A>T on the coding strand, the complement: HBB is on the minus strand). VCF-style: chr11-5226644-T-A. GRCh37 (hg19) VCF-style: chr11-5247874-T-A.
Other names: K82M; c.248A>T, p.Lys83Met (NM_000518.5); short protein forms K83M.
Identifiers: ClinVar variation 15193 (VCV000015193.10), dbSNP rs33987903, ClinGen allele CA124896.